The following is an entry in ClinVar:

NC_000015.10:g.26775175G>A

Gene: GABRB3 (gamma-aminobutyric acid type A receptor subunit beta3; minus strand). Cytogenetic location: 15q12.
Variant type: single nucleotide variant.
Genome position: GRCh38 VCF-style: chr15-26775175-G-A. GRCh37 (hg19) VCF-style: chr15-27020322-G-A.
Identifiers: ClinVar variation 3058548 (VCV003058548.2), dbSNP rs946183760, ClinGen allele CA268179888.

ClinVar aggregate classification (germline): Likely benign (0 of 4 stars; one submission).

Conditions:
GABRB3-related disorder. Also called: GABRB3-related condition.

Allele frequency attached by ClinVar (database versions not stated): gnomAD 0.00008.

Submission:

PreventionGenetics, part of Exact Sciences
Classification: Likely benign for GABRB3-related condition. Last evaluated: 2019-03-08. Review status: no assertion criteria provided. Collection method: clinical testing. Allele origin: germline.
Comment: This variant is classified as likely benign based on ACMG/AMP sequence variant interpretation guidelines (Richards et al. 2015 PMID: 25741868, with internal and published modifications).